The following is an entry in ClinVar:

NM_000059.4(BRCA2):c.4900T>A (p.Phe1634Ile)

Gene: BRCA2 (BRCA2 DNA repair associated; plus strand). Cytogenetic location: 13q13.1.
Variant type: single nucleotide variant.
Coding change: c.4900T>A on transcript NM_000059.4 (MANE Select); coding-DNA position 4900, T replaced by A.
Protein change: p.Phe1634Ile; replaces phenylalanine 1634 with isoleucine.
Molecular consequence: missense variant.
Genome position (GRCh38, 1-based): chr13:32,339,255, T>A. VCF-style: chr13-32339255-T-A. GRCh37 (hg19) VCF-style: chr13-32913392-T-A.
Other names: short protein forms F1634I.
Identifiers: ClinVar variation 825275 (VCV000825275.17), dbSNP rs1555283982, ClinGen allele CA387783551.

ClinVar aggregate classification (germline): Conflicting classifications of pathogenicity. Review status: criteria provided, conflicting classifications (1 of 4 stars). 4 submissions from 4 submitters: Uncertain significance (2); Likely benign (1). 1 of the submissions does not count toward it. Last evaluated 2024-04-22.

Conditions:
Hereditary breast ovarian cancer syndrome. Also called: Hereditary breast and ovarian cancer syndrome; Hereditary breast and ovarian cancer; Hereditary breast and ovarian cancer syndrome (HBOC); Breast and ovarian cancer; Hereditary breast and/or ovarian cancer syndrome; BRCA1- and BRCA2-Associated Hereditary Breast and Ovarian Cancer. Identifiers: Orphanet 145, MedGen C0677776, MeSH D061325, MONDO:0003582. Disease mechanism: loss of function.
Hereditary cancer-predisposing syndrome. Also called: Neoplastic Syndromes, Hereditary; Tumor predisposition; Hereditary neoplastic syndrome; Hereditary Cancer Syndrome. Identifiers: Orphanet 140162, MedGen C0027672, MeSH D009386, MONDO:0015356.
Malignant tumor of breast. Also called: Malignant breast neoplasm; Cancer breast. Identifiers: MedGen C0006142, MONDO:0007254. Disease mechanism: loss of function.

Allele frequency attached by ClinVar (database versions not stated): gnomAD exomes below 0.00001.

Submissions (4):

Labcorp Genetics (formerly Invitae), Labcorp
Classification: Uncertain significance for Hereditary breast ovarian cancer syndrome. Last evaluated: 2024-04-22. Review status: criteria provided, single submitter. Criteria: Invitae Variant Classification Sherloc (09022015). Collection method: clinical testing. Allele origin: germline.
Comment: This sequence change replaces phenylalanine, which is neutral and non-polar, with isoleucine, which is neutral and non-polar, at codon 1634 of the BRCA2 protein (p.Phe1634Ile). This variant is not present in population databases (gnomAD no frequency). This missense change has been observed in individual(s) with breast cancer (PMID: 34326862). ClinVar contains an entry for this variant (Variation ID: 825275). Advanced modeling of protein sequence and biophysical properties (such as structural, functional, and spatial information, amino acid conservation, physicochemical variation, residue mobility, and thermodynamic stability) performed at Invitae indicates that this missense variant is not expected to disrupt BRCA2 protein function with a negative predictive value of 95%. In summary, the available evidence is currently insufficient to determine the role of this variant in disease. Therefore, it has been classified as a Variant of Uncertain Significance.

University of Washington Department of Laboratory Medicine, University of Washington
Classification: Likely benign for Hereditary cancer-predisposing syndrome. Last evaluated: 2023-03-23. Review status: criteria provided, single submitter. Criteria: Dines et al. (Genet Med. 2020). Collection method: curation. Allele origin: germline.
Comment: Missense variant in a coldspot region where missense variants are very unlikely to be pathogenic (PMID:31911673).

BRCA2 exon 11 coldspot. Reclassification based on statistical prior probability.

Ambry Genetics
Classification: Uncertain significance for Hereditary cancer-predisposing syndrome. Last evaluated: 2019-03-01. Review status: criteria provided, single submitter. Criteria: Ambry Variant Classification Scheme 2023. Collection method: clinical testing. Allele origin: germline.
Comment: The p.F1634I variant (also known as c.4900T>A), located in coding exon 10 of the BRCA2 gene, results from a T to A substitution at nucleotide position 4900. The phenylalanine at codon 1634 is replaced by isoleucine, an amino acid with highly similar properties. This amino acid position is poorly conserved in available vertebrate species. In addition, this alteration is predicted to be tolerated by in silico analysis. Since supporting evidence is limited at this time, the clinical significance of this alteration remains unclear.

Department of Pathology and Laboratory Medicine, Sinai Health System
Classification: Uncertain significance for Malignant tumor of breast. Review status: no assertion criteria provided. Collection method: clinical testing. Allele origin: unknown. Affected: yes. Study: The Canadian Open Genetics Repository (COGR). Not counted in ClinVar's aggregate classification.
Comment: The BRCA2 p.Phe1634Ile variant was not identified in the literature nor was it identified in the dbSNP, ClinVar, Cosmic, MutDB, LOVD 3.0, BIC Database, ARUP Laboratories and Zhejiang Colon Cancer Databases. The variant was not identified in the 1000 Genomes Project, the NHLBI GO Exome Sequencing Project or the Exome Aggregation Consortium (August 8th 2016) control databases. The p.Phe1634Ile residue is not conserved in mammals and computational analyses (PolyPhen-2, SIFT, AlignGVGD, BLOSUM, MutationTaster) do not suggest a high likelihood of impact to the protein; however, this information is not predictive enough to rule out pathogenicity. The variant occurs outside of the splicing consensus sequence and 1 of 5 in silico or computational prediction software programs (SpliceSiteFinder, MaxEntScan, NNSPLICE, GeneSplicer, HumanSpliceFinder) predict a greater than 10% difference in splicing; this is not very predictive of pathogenicity. The variant is located with the Breast cancer type 2 susceptibility protein functional domain(s) increasing the likelihood that it may have clinical significance. In summary, based on the above information the clinical significance of this variant cannot be determined with certainty at this time. This variant is classified as a variant of uncertain significance.

Literature cited by the submitters: PubMed 34326862 (cited by Labcorp Genetics (formerly Invitae), Labcorp).